The following is an entry in ClinVar:

ClinVar aggregate classification (germline): Uncertain significance (1 of 4 stars; one submission).

Submission:

Labcorp Genetics (formerly Invitae), Labcorp
Classification: Uncertain significance. Last evaluated: 2020-06-11. Review status: criteria provided, single submitter. Criteria: Invitae Variant Classification Sherloc (09022015). Collection method: clinical testing. Allele origin: germline.
Comment: This sequence change replaces phenylalanine with cysteine at codon 529 of the PDE6C protein (p.Phe529Cys). The phenylalanine residue is highly conserved and there is a large physicochemical difference between phenylalanine and cysteine. This variant is not present in population databases (ExAC no frequency). This variant has not been reported in the literature in individuals with PDE6C-related conditions. Algorithms developed to predict the effect of missense changes on protein structure and function (SIFT, PolyPhen-2, Align-GVGD) all suggest that this variant is likely to be disruptive, but these predictions have not been confirmed by published functional studies and their clinical significance is uncertain. In summary, the available evidence is currently insufficient to determine the role of this variant in disease. Therefore, it has been classified as a Variant of Uncertain Significance.

NM_006204.4(PDE6C):c.1586T>G (p.Phe529Cys)

Gene: PDE6C (phosphodiesterase 6C; plus strand). Cytogenetic location: 10q23.33.
Variant type: single nucleotide variant.
Coding change: c.1586T>G on transcript NM_006204.4 (MANE Select); coding-DNA position 1586, T replaced by G.
Protein change: p.Phe529Cys; replaces phenylalanine 529 with cysteine.
Molecular consequence: missense variant.
Genome position (GRCh38, 1-based): chr10:93,640,173, T>G. VCF-style: chr10-93640173-T-G. GRCh37 (hg19) VCF-style: chr10-95399930-T-G.
Other names: short protein forms F529C.
Identifiers: ClinVar variation 1038036 (VCV001038036.8), dbSNP rs2058552244, ClinGen allele CA377617995.